The following is an entry in ClinVar:

ClinVar aggregate classification (germline): Pathogenic (1 of 4 stars; one submission).

Conditions:
Ellis-van Creveld syndrome (EVC). Also called: MESOECTODERMAL DYSPLASIA; Chondroectodermal dysplasia. Identifiers: Orphanet 289, MedGen C0013903, MONDO:0009162, OMIM 225500.

Submission:

Myriad Genetics, Inc.
Classification: Pathogenic for Ellis-van Creveld syndrome. Last evaluated: 2023-09-27. Review status: criteria provided, single submitter. Criteria: Myriad Autosomal Dominant, Autosomal Recessive and X-Linked Classification Criteria (2023). Collection method: clinical testing. Allele origin: unknown.
Comment: NM_153717.2(EVC):c.16dupG(A6Gfs*67) is expected to be pathogenic in the context of EVC-related Ellis-van Creveld syndrome. This variant is predicted to lead to an abnormal or absent protein product due to the creation of a premature termination codon in EVC, a gene where loss-of-function variants are known to be pathogenic. Please note: this variant was assessed in the context of healthy population screening.

NM_153717.3(EVC):c.16dup (p.Ala6fs)

Genes: EVC (EvC ciliary complex subunit 1; plus strand), LOC129992144 (ATAC-STARR-seq lymphoblastoid silent region 15223; plus strand). Cytogenetic location: 4p16.2.
Variant type: Duplication.
Coding change: c.16dup on transcript NM_153717.3 (MANE Select); coding-DNA position 16, one base duplicated (G; older notation c.16dupG).
Protein change: p.Ala6fs; shifts the reading frame from alanine 6.
Molecular consequence: frameshift variant.
Genome position (GRCh38, 1-based): chr4:5,711,396, G duplicated; the last of 4 consecutive G bases (chr4:5,711,393-5,711,396); duplicating any one gives the same sequence. VCF-style (leftmost placement, unchanged base first): chr4-5711392-C-CG. GRCh37 (hg19) VCF-style: chr4-5713119-C-CG.
Other names: c.16dup, p.Ala6fs (NM_001306090.2, NM_001306092.2); short protein forms A6fs.
Identifiers: ClinVar variation 5011950 (VCV005011950.1).